The following is an entry in ClinVar:

NM_212482.4(FN1):c.2047A>G (p.Ser683Gly)

Gene: FN1 (fibronectin 1; minus strand). Cytogenetic location: 2q35.
Variant type: single nucleotide variant.
Coding change: c.2047A>G on transcript NM_212482.4 (MANE Select); coding-DNA position 2047, A replaced by G.
Protein change: p.Ser683Gly; replaces serine 683 with glycine.
Molecular consequence: missense variant.
Genome position (GRCh38, 1-based): chr2:215,410,009, T>C on the plus strand (A>G on the coding strand, the complement: FN1 is on the minus strand). VCF-style: chr2-215410009-T-C. GRCh37 (hg19) VCF-style: chr2-216274732-T-C.
Other names: c.2047A>G, p.Ser683Gly (NM_001306129.2, NM_001306130.2, NM_001306131.2 and 13 more transcripts); c.2047A>G (NM_212482.2); short protein forms S683G.
Identifiers: ClinVar variation 4959735 (VCV004959735.2).

ClinVar aggregate classification (germline): Uncertain significance. Review status: criteria provided, multiple submitters, no conflicts (2 of 4 stars). 2 submissions from 2 submitters: Uncertain significance (2). Last evaluated 2026-04-10.

Conditions:
FN1-related disorder. Also called: FN1-related condition.

gnomAD v4.1: 8 of 1,614,098 alleles (0.0005%); highest among the groups gnomAD compares: African/African-American, 0.0067%; no homozygotes.

Submissions (2):

PreventionGenetics, part of Exact Sciences
Classification: Uncertain significance for FN1-related condition. Last evaluated: 2026-04-10. Review status: criteria provided, single submitter. Criteria: ACMG Guidelines, 2015. Collection method: clinical testing. Allele origin: germline.
Comment: The FN1 c.2047A>G variant is predicted to result in the amino acid substitution p.Ser683Gly. To our knowledge, this variant has not been reported in the literature or in a large population database (gnomAD), indicating this variant is rare. At this time, the clinical significance of this variant is uncertain due to the absence of conclusive functional and genetic evidence.

Blueprint Genetics
Classification: Uncertain significance. Last evaluated: 2023-04-26. Review status: criteria provided, single submitter. Criteria: ACMG Guidelines, 2015. Collection method: clinical testing. Allele origin: germline.